The following is an entry in ClinVar:

NM_014625.4(NPHS2):c.17G>A (p.Arg6Gln)

Gene: NPHS2 (NPHS2 stomatin family member, podocin; minus strand). Cytogenetic location: 1q25.2.
Variant type: single nucleotide variant.
Coding change: c.17G>A on transcript NM_014625.4 (MANE Select); coding-DNA position 17, G replaced by A.
Protein change: p.Arg6Gln; replaces arginine 6 with glutamine.
Molecular consequence: missense variant.
Genome position (GRCh38, 1-based): chr1:179,575,848, C>T on the plus strand (G>A on the coding strand, the complement: NPHS2 is on the minus strand). VCF-style: chr1-179575848-C-T. GRCh37 (hg19) VCF-style: chr1-179544983-C-T.
Other names: c.17G>A, p.Arg6Gln (NM_001297575.2); short protein forms R6Q.
Identifiers: ClinVar variation 874769 (VCV000874769.7), dbSNP rs760885607, ClinGen allele CA1267338.

ClinVar aggregate classification (germline): Uncertain significance. Review status: criteria provided, multiple submitters, no conflicts (2 of 4 stars). 4 submissions from 4 submitters: Uncertain significance (4). Last evaluated 2026-09-09.

Conditions:
Nephrotic syndrome, type 2 (NPHS2). Also called: NEPHROTIC SYNDROME, STEROID-RESISTANT, AUTOSOMAL RECESSIVE. Identifiers: Orphanet 656, MedGen C1868672, MONDO:0010974, OMIM 600995.

Allele frequency attached by ClinVar (database versions not stated): gnomAD 0.00002 and 0.00003; TOPMed 0.00003; ExAC 0.00012.
gnomAD v4.1: 46 of 1,427,032 alleles (0.0032%); highest among the groups gnomAD compares: Non-Finnish European, 0.0041%; no homozygotes.

Submissions (4):

Myriad Genetics, Inc.
Classification: Uncertain significance for Nephrotic syndrome, type 2. Last evaluated: 2026-09-09. Review status: criteria provided, single submitter. Criteria: Myriad Autosomal Dominant, Autosomal Recessive and X-Linked Classification Criteria (2023). Collection method: clinical testing. Allele origin: unknown.
Comment: NM_014625.2(NPHS2):c.17G>A(R6Q) is a missense variant classified as a variant of uncertain significance in the context of nephrotic syndrome, NPHS2-related. R6Q has been observed in a case with relevant disease (PMID: 18481113). Relevant functional assessments of this variant are not available in the literature. R6Q has been observed in referenced population frequency databases. In summary, there is insufficient evidence to classify NM_014625.2(NPHS2):c.17G>A(R6Q) as pathogenic or benign. Please note: this variant was assessed in the context of healthy population screening.

Genome-Nilou Lab
Classification: Uncertain significance for Nephrotic syndrome, type 2. Last evaluated: 2023-04-11. Review status: criteria provided, single submitter. Criteria: ACMG Guidelines, 2015. Collection method: clinical testing. Allele origin: germline. Affected: no.

Labcorp Genetics (formerly Invitae), Labcorp
Classification: Uncertain significance. Last evaluated: 2021-09-01. Review status: criteria provided, single submitter. Criteria: Invitae Variant Classification Sherloc (09022015). Collection method: clinical testing. Allele origin: germline.
Comment: This sequence change replaces arginine with glutamine at codon 6 of the NPHS2 protein (p.Arg6Gln). The arginine residue is moderately conserved and there is a small physicochemical difference between arginine and glutamine. While this variant is present in population databases (rs760885607), the frequency information is unreliable, as metrics indicate poor data quality at this position in the ExAC database. This variant has not been reported in the literature in individuals affected with NPHS2-related conditions. Algorithms developed to predict the effect of missense changes on protein structure and function are either unavailable or do not agree on the potential impact of this missense change (SIFT: "Tolerated"; PolyPhen-2: "Not Available"; Align-GVGD: "Class C0"). In summary, the available evidence is currently insufficient to determine the role of this variant in disease. Therefore, it has been classified as a Variant of Uncertain Significance.

Illumina Laboratory Services, Illumina
Classification: Uncertain significance for Nephrotic syndrome, type 2. Last evaluated: 2018-03-16. Review status: criteria provided, single submitter. Criteria: ICSL Variant Classification Criteria 13 December 2019. Collection method: clinical testing. Allele origin: germline.

Literature cited by the submitters: PubMed 18481113 (cited by Myriad Genetics, Inc.).